The following is an entry in ClinVar:

ClinVar aggregate classification (germline): Conflicting classifications of pathogenicity. Review status: criteria provided, conflicting classifications (1 of 4 stars). 3 submissions from 3 submitters: Uncertain significance (1); Likely benign (2). Last evaluated 2026-01-06.

Conditions:
Breast-ovarian cancer, familial, susceptibility to, 2 (BROVCA2). Also called: BRCA2 Hereditary Breast and Ovarian Cancer. Identifiers: Orphanet 145, MedGen C2675520, MONDO:0012933, OMIM 612555. Disease mechanism: loss of function.
Hereditary breast ovarian cancer syndrome. Also called: Hereditary breast and ovarian cancer syndrome; Hereditary breast and ovarian cancer; Hereditary breast and ovarian cancer syndrome (HBOC); Breast and ovarian cancer; Hereditary breast and/or ovarian cancer syndrome; BRCA1- and BRCA2-Associated Hereditary Breast and Ovarian Cancer. Identifiers: Orphanet 145, MedGen C0677776, MeSH D061325, MONDO:0003582. Disease mechanism: loss of function.
Hereditary cancer-predisposing syndrome. Also called: Neoplastic Syndromes, Hereditary; Tumor predisposition; Hereditary neoplastic syndrome; Hereditary Cancer Syndrome. Identifiers: Orphanet 140162, MedGen C0027672, MeSH D009386, MONDO:0015356.

Submissions (3):

Myriad Genetics, Inc.
Classification: Likely benign for Breast-ovarian cancer, familial, susceptibility to, 2. Last evaluated: 2026-01-06. Review status: criteria provided, single submitter. Criteria: Myriad Autosomal Dominant, Autosomal Recessive and X-Linked Classification Criteria (2023). Collection method: clinical testing. Allele origin: unknown.
Comment: This variant is considered likely benign. This variant has been observed in trans with a known pathogenic variant in one or more individuals lacking clinical features consistent with gene-specific recessive disease.

Labcorp Genetics (formerly Invitae), Labcorp
Classification: Uncertain significance for Hereditary breast ovarian cancer syndrome. Last evaluated: 2024-08-28. Review status: criteria provided, single submitter. Criteria: Invitae Variant Classification Sherloc (09022015). Collection method: clinical testing. Allele origin: germline.
Comment: This sequence change replaces threonine, which is neutral and polar, with serine, which is neutral and polar, at codon 1359 of the BRCA2 protein (p.Thr1359Ser). This variant is not present in population databases (gnomAD no frequency). This variant has not been reported in the literature in individuals affected with BRCA2-related conditions. Invitae Evidence Modeling of protein sequence and biophysical properties (such as structural, functional, and spatial information, amino acid conservation, physicochemical variation, residue mobility, and thermodynamic stability) indicates that this missense variant is not expected to disrupt BRCA2 protein function with a negative predictive value of 95%. In summary, the available evidence is currently insufficient to determine the role of this variant in disease. Therefore, it has been classified as a Variant of Uncertain Significance.

Ambry Genetics
Classification: Likely benign for Hereditary cancer-predisposing syndrome. Last evaluated: 2024-01-22. Review status: criteria provided, single submitter. Criteria: Ambry Variant Classification Scheme 2023. Collection method: clinical testing. Allele origin: germline.

NM_000059.4(BRCA2):c.4076C>G (p.Thr1359Ser)

Gene: BRCA2 (BRCA2 DNA repair associated; plus strand). Cytogenetic location: 13q13.1.
Variant type: single nucleotide variant.
Coding change: c.4076C>G on transcript NM_000059.4 (MANE Select); coding-DNA position 4076, C replaced by G.
Protein change: p.Thr1359Ser; replaces threonine 1359 with serine.
Molecular consequence: missense variant. On other transcripts: non-coding transcript variant (1), intron variant (2).
Genome position (GRCh38, 1-based): chr13:32,338,431, C>G. VCF-style: chr13-32338431-C-G. GRCh37 (hg19) VCF-style: chr13-32912568-C-G.
Other names: c.4076C>G, p.Thr1359Ser (NM_001406719.1, NM_001406720.1); c.1909+5044C>G (NM_001406721.1); c.425-6127C>G (NM_001406722.1); short protein forms T1359S.
Identifiers: ClinVar variation 3226625 (VCV003226625.4), dbSNP rs878853578, ClinGen allele CA387779167.